The following is an entry in ClinVar:

NM_004366.6(CLCN2):c.*10G>A

Gene: CLCN2 (chloride voltage-gated channel 2; minus strand). Cytogenetic location: 3q27.1.
Variant type: single nucleotide variant.
Coding change: c.*10G>A on transcript NM_004366.6 (MANE Select); 10 bases downstream of the stop codon, G replaced by A.
Molecular consequence: 3 prime UTR variant.
Genome position (GRCh38, 1-based): chr3:184,346,596, C>T on the plus strand (G>A on the coding strand, the complement: CLCN2 is on the minus strand). VCF-style: chr3-184346596-C-T. GRCh37 (hg19) VCF-style: chr3-184064384-C-T.
Other names: c.*10G>A (NM_001171087.3, NM_001171088.3, NM_001171089.3).
Identifiers: ClinVar variation 3038389 (VCV003038389.3), dbSNP rs41266261, ClinGen allele CA2733599.
Genomic context (GRCh38, chr3:184,346,596, plus strand): 5'-AAGGAATGAAAGATGCACATTCTGGGCTGACGGGCATGGCTAGCACCATCCTAGGCCACC[C>T]ACGAGGGGCTCATTGGCATTTGTCGTCGCTGTCGGAAGGGCTGCCCTCCCGGGGGAGGCC-3'

ClinVar aggregate classification (germline): Benign. Review status: criteria provided, single submitter (1 of 4 stars). 2 submissions from 2 submitters: Benign (1). 1 of the submissions does not count toward it. Last evaluated 2024-12-24.

Conditions:
CLCN2-related disorder. Also called: CLCN2-related condition; CLCN2-related disorders.

Allele frequency attached by ClinVar (database versions not stated): 1000 Genomes Project 0.00459; 1000 Genomes Project 30x 0.00484; gnomAD 0.00854; gnomAD exomes 0.01204; TOPMed 0.00881; ExAC 0.00930; ESP Exome Variant Server 0.00961.

Submissions (2):

Mayo Clinic Laboratories, Mayo Clinic
Classification: Benign. Last evaluated: 2024-12-24. Review status: criteria provided, single submitter. Criteria: ACMG Guidelines, 2015. Collection method: clinical testing. Allele origin: germline. Observed: 9 variant alleles.
Comment: BA1, BS2, BP4, BP7

PreventionGenetics, part of Exact Sciences
Classification: Benign for CLCN2-related condition. Last evaluated: 2019-11-05. Review status: no assertion criteria provided. Collection method: clinical testing. Allele origin: germline. Not counted in ClinVar's aggregate classification.
Comment: This variant is classified as benign based on ACMG/AMP sequence variant interpretation guidelines (Richards et al. 2015 PMID: 25741868, with internal and published modifications).

Literature cited by the submitters: PubMed 15505175 (cited by Mayo Clinic Laboratories, Mayo Clinic).